The following is an entry in ClinVar:

NM_000489.6(ATRX):c.1684A>G (p.Lys562Glu)

Gene: ATRX (ATRX chromatin remodeler; minus strand). Cytogenetic location: Xq21.1.
Variant type: single nucleotide variant.
Coding change: c.1684A>G on transcript NM_000489.6 (MANE Select); coding-DNA position 1684, A replaced by G.
Protein change: p.Lys562Glu; replaces lysine 562 with glutamic acid.
Molecular consequence: missense variant.
Genome position (GRCh38, 1-based): chrX:77,683,572, T>C on the plus strand (A>G on the coding strand, the complement: ATRX is on the minus strand). VCF-style: chrX-77683572-T-C. GRCh37 (hg19) VCF-style: chrX-76939064-T-C.
Other names: c.1570A>G, p.Lys524Glu (NM_138270.5); short protein forms K524E, K562E.
Identifiers: ClinVar variation 1708822 (VCV001708822.2), dbSNP rs2519978440, ClinGen allele CA413716938.

ClinVar aggregate classification (germline): Uncertain significance (1 of 4 stars; one submission).

Submission:

GeneDx
Classification: Uncertain significance. Last evaluated: 2022-10-10. Review status: criteria provided, single submitter. Criteria: GeneDx Variant Classification Process June 2021. Collection method: clinical testing. Allele origin: germline. Affected: yes.
Comment: Not observed at significant frequency in large population cohorts (gnomAD); In silico analysis supports that this missense variant does not alter protein structure/function; Has not been previously published as pathogenic or benign to our knowledge